The following is an entry in ClinVar:

ClinVar aggregate classification (germline): Uncertain significance (1 of 4 stars; one submission).

Submission:

Labcorp Genetics (formerly Invitae), Labcorp
Classification: Uncertain significance. Last evaluated: 2022-11-08. Review status: criteria provided, single submitter. Criteria: Invitae Variant Classification Sherloc (09022015). Collection method: clinical testing. Allele origin: germline.
Comment: This sequence change replaces aspartic acid, which is acidic and polar, with glutamic acid, which is acidic and polar, at codon 37 of the DRAM2 protein (p.Asp37Glu). This variant is not present in population databases (gnomAD no frequency). This variant has not been reported in the literature in individuals affected with DRAM2-related conditions. ClinVar contains an entry for this variant (Variation ID: 1357449). Advanced modeling of protein sequence and biophysical properties (such as structural, functional, and spatial information, amino acid conservation, physicochemical variation, residue mobility, and thermodynamic stability) performed at Invitae indicates that this missense variant is not expected to disrupt DRAM2 protein function. In summary, the available evidence is currently insufficient to determine the role of this variant in disease. Therefore, it has been classified as a Variant of Uncertain Significance.

NM_001349884.2(DRAM2):c.111C>A (p.Asp37Glu)

Gene: DRAM2 (DNA damage regulated autophagy modulator 2; minus strand). Cytogenetic location: 1p13.3.
Variant type: single nucleotide variant.
Coding change: c.111C>A on transcript NM_001349884.2 (MANE Select); coding-DNA position 111, C replaced by A.
Protein change: p.Asp37Glu; replaces aspartic acid 37 with glutamic acid.
Molecular consequence: missense variant. On other transcripts: 5 prime UTR variant (8), non-coding transcript variant (8).
Genome position (GRCh38, 1-based): chr1:111,131,444, G>T on the plus strand (C>A on the coding strand, the complement: DRAM2 is on the minus strand). VCF-style: chr1-111131444-G-T. GRCh37 (hg19) VCF-style: chr1-111674066-G-T.
Other names: c.-48C>A (NM_001349887.2, NM_001349888.2, NM_001349886.2); c.-140C>A (NM_001349889.2, NM_001349890.2, NM_001349892.2 and 1 more transcripts); c.-308C>A (NM_001349891.2); c.111C>A, p.Asp37Glu (NM_178454.6, NM_001349881.2, NM_001349882.2 and 1 more transcripts); short protein forms D37E.
Identifiers: ClinVar variation 1357449 (VCV001357449.6), dbSNP rs2101085746, ClinGen allele CA341819645.
Genomic context (GRCh38, chr1:111,131,444, plus strand): 5'-ACATAAAGAGTCTCCTATACAAAGAATACATTTCACTTACCTGATATAAGGTAAAGCCGG[G>T]TCTATATGGTGGAGTGTTACTGCAGTAATGTATGAAAATATGAAAGCAGCAGATGTCCAA-3'
Protein context (NP_001336813.1, residues 27-47): YITAVTLHHI[Asp37Glu]PALPYISDTG